The following is an entry in ClinVar:

NM_022356.4(P3H1):c.1018A>G (p.Asn340Asp)

Gene: P3H1 (prolyl 3-hydroxylase 1; minus strand). Cytogenetic location: 1p34.2.
Variant type: single nucleotide variant.
Coding change: c.1018A>G on transcript NM_022356.4 (MANE Select); coding-DNA position 1018, A replaced by G.
Protein change: p.Asn340Asp; replaces asparagine 340 with aspartic acid.
Molecular consequence: missense variant.
Genome position (GRCh38, 1-based): chr1:42,757,845, T>C on the plus strand (A>G on the coding strand, the complement: P3H1 is on the minus strand). VCF-style: chr1-42757845-T-C. GRCh37 (hg19) VCF-style: chr1-43223516-T-C.
Other names: c.1018A>G, p.Asn340Asp (NM_001146289.2, NM_001243246.2); short protein forms N340D.
Identifiers: ClinVar variation 1928592 (VCV001928592.2), dbSNP rs2524465514, ClinGen allele CA339958916.
Genomic context (GRCh38, chr1:42,757,845, plus strand): 5'-CACGGGGGCCGATGGATCTGGTGTGTTCTTCTCCAAGCATAGCTGCATAATAGGCCAAAT[T>C]TTGGTTCATCACCTCGTCATTGGGGAAGAAGAGAAGATAGGTCTTGGCACATTCAACAGC-3'
Protein context (NP_071751.3, residues 330-350): FFPNDEVMNQ[Asn340Asp]LAYYAAMLGE

ClinVar aggregate classification (germline): Uncertain significance (1 of 4 stars; one submission).

Conditions:
Osteogenesis imperfecta type 8 (OI8). Identifiers: MedGen C1970458, MONDO:0012581, OMIM 610915.

Submission:

Labcorp Genetics (formerly Invitae), Labcorp
Classification: Uncertain significance for Osteogenesis imperfecta type 8. Last evaluated: 2022-04-12. Review status: criteria provided, single submitter. Criteria: Invitae Variant Classification Sherloc (09022015). Collection method: clinical testing. Allele origin: germline.
Comment: This sequence change replaces asparagine, which is neutral and polar, with aspartic acid, which is acidic and polar, at codon 340 of the P3H1 protein (p.Asn340Asp). This variant is not present in population databases (gnomAD no frequency). This variant has not been reported in the literature in individuals affected with P3H1-related conditions. Algorithms developed to predict the effect of missense changes on protein structure and function are either unavailable or do not agree on the potential impact of this missense change (SIFT: "Deleterious"; PolyPhen-2: "Probably Damaging"; Align-GVGD: "Class C15"). In summary, the available evidence is currently insufficient to determine the role of this variant in disease. Therefore, it has been classified as a Variant of Uncertain Significance.